The following is an entry in ClinVar:

NM_000548.5(TSC2):c.2161G>A (p.Val721Met)

Gene: TSC2 (TSC complex subunit 2; plus strand). Cytogenetic location: 16p13.3.
Variant type: single nucleotide variant.
Coding change: c.2161G>A on transcript NM_000548.5 (MANE Select); coding-DNA position 2161, G replaced by A.
Protein change: p.Val721Met; replaces valine 721 with methionine.
Molecular consequence: missense variant.
Genome position (GRCh38, 1-based): chr16:2,072,304, G>A. VCF-style: chr16-2072304-G-A. GRCh37 (hg19) VCF-style: chr16-2122305-G-A.
Other names: c.2161G>A, p.Val721Met (NM_001077183.3, NM_001114382.3, NM_001363528.2 and 3 more transcripts); c.2050G>A, p.Val684Met (NM_001318827.2); c.2014G>A, p.Val672Met (NM_001318829.2); c.1561G>A, p.Val521Met (NM_001318831.2); c.2194G>A, p.Val732Met (NM_001318832.2); c.2161G>A (NM_000548.3); short protein forms V732M, V684M, V521M, V672M, V721M.
Identifiers: ClinVar variation 1041864 (VCV001041864.13), dbSNP rs768261185, ClinGen allele CA036930.

ClinVar aggregate classification (germline): Conflicting classifications of pathogenicity. Review status: criteria provided, conflicting classifications (1 of 4 stars). 4 submissions from 4 submitters: Uncertain significance (3); Benign (1). Last evaluated 2025-09-19.

Conditions:
Hereditary cancer-predisposing syndrome. Also called: Hereditary neoplastic syndrome; Neoplastic Syndromes, Hereditary; Tumor predisposition; Hereditary Cancer Syndrome. Identifiers: Orphanet 140162, MedGen C0027672, MeSH D009386, MONDO:0015356.
Tuberous sclerosis 2 (TSC2). Identifiers: Orphanet 805, MedGen C1860707, MONDO:0013199, OMIM 613254.
Tuberous sclerosis syndrome (TSC). Also called: Tuberous Sclerosis Complex; Tuberous sclerosis. Identifiers: Orphanet 805, MedGen C0041341, MONDO:0001734.

Allele frequency attached by ClinVar (database versions not stated): gnomAD exomes below 0.00001; ExAC 0.00001.

Submissions (4):

Ambry Genetics
Classification: Uncertain significance for Hereditary cancer-predisposing syndrome. Last evaluated: 2025-09-19. Review status: criteria provided, single submitter. Criteria: Ambry Variant Classification Scheme 2023. Collection method: clinical testing. Allele origin: germline.
Comment: The p.V721M variant (also known as c.2161G>A), located in coding exon 19 of the TSC2 gene, results from a G to A substitution at nucleotide position 2161. The valine at codon 721 is replaced by methionine, an amino acid with highly similar properties. This amino acid position is conserved. In addition, the in silico prediction for this alteration is inconclusive. Since supporting evidence is limited at this time, the clinical significance of this alteration remains unclear.

Labcorp Genetics (formerly Invitae), Labcorp
Classification: Benign for Tuberous sclerosis 2. Last evaluated: 2024-11-24. Review status: criteria provided, single submitter. Criteria: Invitae Variant Classification Sherloc (09022015). Collection method: clinical testing. Allele origin: germline.

GeneDx
Classification: Uncertain significance. Last evaluated: 2024-10-13. Review status: criteria provided, single submitter. Criteria: GeneDx Variant Classification Process June 2021. Collection method: clinical testing. Allele origin: germline. Affected: yes.
Comment: In silico analysis indicates that this missense variant does not alter protein structure/function; Has not been previously published as pathogenic or benign to our knowledge

All of Us Research Program, National Institutes of Health
Classification: Uncertain significance for Tuberous sclerosis syndrome. Last evaluated: 2023-12-13. Review status: criteria provided, single submitter. Criteria: ACMG Guidelines, 2015. Collection method: clinical testing. Allele origin: germline. Inheritance: Autosomal dominant inheritance. Observed: 1 variant allele, 1 heterozygote.
Comment: This missense variant replaces valine with methionine at codon 721 of the TSC2 protein. Computational prediction is inconclusive regarding the impact of this variant on protein structure and function (internally defined REVEL score threshold 0.5 < inconclusive < 0.7, PMID: 27666373). To our knowledge, functional studies have not been reported for this variant. This variant has not been reported in individuals affected with tuberous sclerosis complex in the literature. This variant has been identified in 1/251224 chromosomes in the general population by the Genome Aggregation Database (gnomAD). The available evidence is insufficient to determine the role of this variant in disease conclusively. Therefore, this variant is classified as a Variant of Uncertain Significance.

This study involves interpretation of variants in research participants for the purpose of population health screening. Participant phenotype was not available at the time of variant classification. Additional details can be found in publication PMID: 35346344, PMCID: PMC8962531